The following is an entry in ClinVar:

NM_004130.4(GYG1):c.890C>T (p.Ser297Leu)

Gene: GYG1 (glycogenin 1; plus strand). Cytogenetic location: 3q24.
Variant type: single nucleotide variant.
Coding change: c.890C>T on transcript NM_004130.4 (MANE Select); coding-DNA position 890, C replaced by T.
Protein change: p.Ser297Leu; replaces serine 297 with leucine.
Molecular consequence: missense variant. On other transcripts: nonsense (1).
Genome position (GRCh38, 1-based): chr3:149,026,770, C>T. VCF-style: chr3-149026770-C-T. GRCh37 (hg19) VCF-style: chr3-148744557-C-T.
Other names: c.839C>T, p.Ser280Leu (NM_001184720.2); c.619C>T, p.Gln207Ter (NM_001184721.2); short protein forms S297L, Q207*, S280L.
Identifiers: ClinVar variation 1420509 (VCV001420509.5), dbSNP rs2107924774, ClinGen allele CA354909220.
Genomic context (GRCh38, chr3:149,026,770, plus strand): 5'-AACAGTTTGATTTTCAGCTCTCATAGAGTCAATTATGCTTTCCTTTCTAGGAAGATGTCT[C>T]AGGAGCCATATCACATCTGTCCCTTGGGGAGATCCCAGCTATGGCACAGCCGTTTGTATC-3'
Protein context (NP_004121.2, residues 287-307): SCGFCRKEDV[Ser297Leu]GAISHLSLGE

ClinVar aggregate classification (germline): Uncertain significance (1 of 4 stars; one submission).

Conditions:
Glycogen storage disease XV (GSD15). Also called: GLYCOGENIN DEFICIENCY; GSD XV. Identifiers: Orphanet 263297, MedGen C3150754, MONDO:0013291, OMIM 613507.
Polyglucosan body myopathy type 2. Identifiers: Orphanet 456369, MedGen C4015452, MONDO:0014526, OMIM 616199.

Submission:

Labcorp Genetics (formerly Invitae), Labcorp
Classification: Uncertain significance for Polyglucosan body myopathy type 2; Glycogen storage disease XV. Last evaluated: 2022-07-19. Review status: criteria provided, single submitter. Criteria: Invitae Variant Classification Sherloc (09022015). Collection method: clinical testing. Allele origin: germline.
Comment: This sequence change replaces serine, which is neutral and polar, with leucine, which is neutral and non-polar, at codon 297 of the GYG1 protein (p.Ser297Leu). This variant is not present in population databases (gnomAD no frequency). This variant has not been reported in the literature in individuals affected with GYG1-related conditions. ClinVar contains an entry for this variant (Variation ID: 1420509). Algorithms developed to predict the effect of missense changes on protein structure and function (SIFT, PolyPhen-2, Align-GVGD) all suggest that this variant is likely to be tolerated. In summary, the available evidence is currently insufficient to determine the role of this variant in disease. Therefore, it has been classified as a Variant of Uncertain Significance.